The following is an entry in ClinVar:

ClinVar aggregate classification (germline): Uncertain significance (1 of 4 stars; one submission).

gnomAD v4.1: 4 of 1,603,354 alleles (0.00025%); highest among the groups gnomAD compares: Non-Finnish European, 0.00034%; no homozygotes.

Submission:

Labcorp Genetics (formerly Invitae), Labcorp
Classification: Uncertain significance. Last evaluated: 2025-03-30. Review status: criteria provided, single submitter. Criteria: Invitae Variant Classification Sherloc (09022015). Collection method: clinical testing. Allele origin: germline.
Comment: This sequence change replaces alanine, which is neutral and non-polar, with threonine, which is neutral and polar, at codon 788 of the XPO5 protein (p.Ala788Thr). This variant is present in population databases (rs767935058, gnomAD 0.0009%). This variant has not been reported in the literature in individuals affected with XPO5-related conditions. An algorithm developed to predict the effect of missense changes on protein structure and function outputs the following: PolyPhen-2: "Benign". The threonine amino acid residue is found in multiple mammalian species, which suggests that this missense change does not adversely affect protein function. In summary, the available evidence is currently insufficient to determine the role of this variant in disease. Therefore, it has been classified as a Variant of Uncertain Significance.

NM_020750.3(XPO5):c.2362G>A (p.Ala788Thr)

Genes: POLR1C (RNA polymerase I and III subunit C; plus strand), XPO5 (exportin 5; minus strand). Cytogenetic location: 6p21.1.
Variant type: single nucleotide variant.
Coding change: c.2362G>A on transcript NM_020750.3 (MANE Select); coding-DNA position 2362, G replaced by A.
Protein change: p.Ala788Thr; replaces alanine 788 with threonine.
Molecular consequence: missense variant. On other transcripts: non-coding transcript variant (1), intron variant (1).
Genome position (GRCh38, 1-based): chr6:43,533,988, C>T on the plus strand (G>A on the coding strand, the complement: XPO5 is on the minus strand). VCF-style: chr6-43533988-C-T. GRCh37 (hg19) VCF-style: chr6-43501725-C-T.
Other names: c.922+12940C>T (NM_001363658.2); short protein forms A788T.
Identifiers: ClinVar variation 4703321 (VCV004703321.1).